The following is an entry in ClinVar:

NM_000245.4(MET):c.1268C>G (p.Ala423Gly)

Gene: MET (MET proto-oncogene, receptor tyrosine kinase; plus strand). Cytogenetic location: 7q31.2.
Variant type: single nucleotide variant.
Coding change: c.1268C>G on transcript NM_000245.4 (MANE Select); coding-DNA position 1268, C replaced by G.
Protein change: p.Ala423Gly; replaces alanine 423 with glycine.
Molecular consequence: missense variant. On other transcripts: 5 prime UTR variant (1).
Genome position (GRCh38, 1-based): chr7:116,731,735, C>G. VCF-style: chr7-116731735-C-G. GRCh37 (hg19) VCF-style: chr7-116371789-C-G.
Other names: c.1268C>G, p.Ala423Gly (NM_001127500.3, NM_001324401.3); c.-23C>G (NM_001324402.2); short protein forms A423G.
Identifiers: ClinVar variation 3650200 (VCV003650200.2).

ClinVar aggregate classification (germline): Uncertain significance (1 of 4 stars; one submission).

Conditions:
Renal cell carcinoma. Identifiers: Orphanet 217071, MedGen C0007134, MeSH D002292, MONDO:0005086, HP:0005584.

Submission:

Labcorp Genetics (formerly Invitae), Labcorp
Classification: Uncertain significance for Renal cell carcinoma. Last evaluated: 2024-04-17. Review status: criteria provided, single submitter. Criteria: Invitae Variant Classification Sherloc (09022015). Collection method: clinical testing. Allele origin: germline.
Comment: This sequence change replaces alanine, which is neutral and non-polar, with glycine, which is neutral and non-polar, at codon 423 of the MET protein (p.Ala423Gly). This variant is not present in population databases (gnomAD no frequency). This variant has not been reported in the literature in individuals affected with MET-related conditions. Advanced modeling of protein sequence and biophysical properties (such as structural, functional, and spatial information, amino acid conservation, physicochemical variation, residue mobility, and thermodynamic stability) performed at Invitae indicates that this missense variant is not expected to disrupt MET protein function with a negative predictive value of 80%. In summary, the available evidence is currently insufficient to determine the role of this variant in disease. Therefore, it has been classified as a Variant of Uncertain Significance.